The following is an entry in ClinVar:

ClinVar aggregate classification (germline): Likely benign (1 of 4 stars; one submission).

Allele frequency attached by ClinVar (database versions not stated): ExAC 0.00564.

Submission:

CeGaT Center for Human Genetics Tuebingen
Classification: Likely benign. Last evaluated: 2023-09-01. Review status: criteria provided, single submitter. Criteria: CeGaT Center For Human Genetics Tuebingen Variant Classification Criteria Version 2. Collection method: clinical testing. Allele origin: germline. Affected: yes. Observed: 1 variant allele.
Comment: MUC5AC: BP4, BP7

NM_001304359.2(MUC5AC):c.13926A>G (p.Pro4642=)

Gene: MUC5AC (mucin 5AC, oligomeric mucus/gel-forming; plus strand). Cytogenetic location: 11p15.5.
Variant type: single nucleotide variant.
Coding change: c.13926A>G on transcript NM_001304359.2 (MANE Select); coding-DNA position 13926, A replaced by G.
Protein change: p.Pro4642=; no amino-acid change (proline 4642 retained).
Molecular consequence: synonymous variant.
Genome position (GRCh38, 1-based): chr11:1,192,071, A>G. VCF-style: chr11-1192071-A-G. GRCh37 (hg19) VCF-style: chr11-1213296-A-G.
Identifiers: ClinVar variation 2641171 (VCV002641171.24), dbSNP rs78466479, ClinGen allele CA5802574.